The following is an entry in ClinVar:

ClinVar aggregate classification (germline): Uncertain significance. Review status: criteria provided, multiple submitters, no conflicts (2 of 4 stars). 3 submissions from 3 submitters: Uncertain significance (3). Last evaluated 2026-01-06.

Conditions:
Pheochromocytoma. Also called: MAX-Related Hereditary Paraganglioma-Pheochromocytoma Syndrome. Identifiers: Orphanet 29072, MedGen C0031511, MONDO:0008233, OMIM 171300, HP:0002666.
Familial medullary thyroid carcinoma (MTC). Also called: Thyroid cancer, familial medullary; MTC, familial; Familial Medullary Thyroid Carcinoma (FMTC). Identifiers: Orphanet 653, Orphanet 99361, MedGen C1833921, MONDO:0007958, OMIM 155240.
Multiple endocrine neoplasia type 2B. Also called: Multiple endocrine neoplasia, type 3; MULTIPLE ENDOCRINE NEOPLASIA, TYPE IIB; MUCOSAL NEUROMA SYNDROME; MEN 2B; Multiple Endocrine Neoplasia Type 2B (MEN2B); MEN IIB. Identifiers: Orphanet 247709, Orphanet 653, MedGen C0025269, MeSH D018814, MONDO:0008082, OMIM 162300.
Multiple endocrine neoplasia type 2A. Also called: MULTIPLE ENDOCRINE NEOPLASIA, TYPE IIA; PTC SYNDROME; SIPPLE SYNDROME; MEN 2A; MEN-2A syndrome; Pheochromocytoma and amyloid producing medullary thyroid carcinoma. Identifiers: Orphanet 247698, Orphanet 653, MedGen C0025268, MeSH D018813, MONDO:0008234, OMIM 171400.
Hirschsprung disease, susceptibility to, 1 (HSCR1). Also called: RET-Related Hirschsprung Disease. Identifiers: Orphanet 388, MedGen C3888239, MONDO:0007723, OMIM 142623.
Multiple endocrine neoplasia, type 2 (MEN2). Identifiers: Orphanet 653, MedGen C4048306, MONDO:0019003. Disease mechanism: gain of function.
Hereditary cancer-predisposing syndrome. Also called: Neoplastic Syndromes, Hereditary; Hereditary Cancer Syndrome; Tumor predisposition; Hereditary neoplastic syndrome. Identifiers: Orphanet 140162, MedGen C0027672, MeSH D009386, MONDO:0015356.

Allele frequency attached by ClinVar (database versions not stated): gnomAD exomes below 0.00001; TOPMed below 0.00001; gnomAD 0.00001.
gnomAD v4.1: 4 of 1,614,154 alleles (0.00025%); highest among the groups gnomAD compares: South Asian, 0.0011%; no homozygotes.

Submissions (3):

Labcorp Genetics (formerly Invitae), Labcorp
Classification: Uncertain significance for Multiple endocrine neoplasia, type 2. Last evaluated: 2026-01-06. Review status: criteria provided, single submitter. Criteria: Invitae Variant Classification Sherloc (09022015). Collection method: clinical testing. Allele origin: germline.
Comment: This sequence change replaces arginine, which is basic and polar, with cysteine, which is neutral and slightly polar, at codon 133 of the RET protein (p.Arg133Cys). This variant is not present in population databases (gnomAD no frequency). This missense change has been observed in individual(s) with Hirschsprung disease (PMID: 23084198). ClinVar contains an entry for this variant (Variation ID: 577359). An algorithm developed to predict the effect of missense changes on protein structure and function (PolyPhen-2) suggests that this variant is likely to be disruptive. Algorithms developed to predict the effect of sequence changes on RNA splicing suggest that this variant may disrupt the consensus splice site. In summary, the available evidence is currently insufficient to determine the role of this variant in disease. Therefore, it has been classified as a Variant of Uncertain Significance.

Fulgent Genetics
Classification: Uncertain significance for Hirschsprung disease, susceptibility to, 1; Familial medullary thyroid carcinoma; Multiple endocrine neoplasia type 2B; Pheochromocytoma; Multiple endocrine neoplasia type 2A. Last evaluated: 2024-04-16. Review status: criteria provided, single submitter. Criteria: ACMG Guidelines, 2015. Collection method: clinical testing. Allele origin: germline.

Ambry Genetics
Classification: Uncertain significance for Hereditary cancer-predisposing syndrome. Last evaluated: 2024-02-20. Review status: criteria provided, single submitter. Criteria: Ambry Variant Classification Scheme 2023. Collection method: clinical testing. Allele origin: germline.
Comment: The p.R133C variant (also known as c.397C>T), located in coding exon 3 of the RET gene, results from a C to T substitution at nucleotide position 397. The arginine at codon 133 is replaced by cysteine, an amino acid with highly dissimilar properties. This amino acid position is well conserved in available vertebrate species. In addition, the in silico prediction for this alteration is inconclusive. Based on the available evidence, the clinical significance of this alteration remains unclear.

Literature cited by the submitters: PubMed 23084198 (cited by Labcorp Genetics (formerly Invitae), Labcorp).

NM_020975.6(RET):c.397C>T (p.Arg133Cys)

Gene: RET (ret proto-oncogene; plus strand). Cytogenetic location: 10q11.21.
Variant type: single nucleotide variant.
Coding change: c.397C>T on transcript NM_020975.6 (MANE Select); coding-DNA position 397, C replaced by T.
Protein change: p.Arg133Cys; replaces arginine 133 with cysteine.
Molecular consequence: missense variant.
Genome position (GRCh38, 1-based): chr10:43,102,401, C>T. VCF-style: chr10-43102401-C-T. GRCh37 (hg19) VCF-style: chr10-43597849-C-T.
Other names: c.397C>T, p.Arg133Cys (NM_000323.2, NM_001406743.1, NM_001406744.1 and 16 more transcripts); short protein forms R133C.
Identifiers: ClinVar variation 577359 (VCV000577359.13), dbSNP rs1564490056, ClinGen allele CA376770736.